The following is an entry in ClinVar:

NM_014141.6(CNTNAP2):c.3475+37C>T

Gene: CNTNAP2 (contactin associated protein 2; plus strand). Cytogenetic location: 7q36.1.
Variant type: single nucleotide variant.
Coding change: c.3475+37C>T on transcript NM_014141.6 (MANE Select); 37 bases into the intron after coding-DNA position 3475, C replaced by T.
Molecular consequence: intron variant.
Genome position (GRCh38, 1-based): chr7:148,267,163, C>T. VCF-style: chr7-148267163-C-T. GRCh37 (hg19) VCF-style: chr7-147964255-C-T.
Identifiers: ClinVar variation 675191 (VCV000675191.1), dbSNP rs77190226, ClinGen allele CA4546670.

ClinVar aggregate classification (germline): Likely benign (1 of 4 stars; one submission).

Allele frequency attached by ClinVar (database versions not stated): gnomAD exomes 0.00053 and 0.00194; gnomAD 0.00059 and 0.00081; TOPMed 0.00113; ExAC 0.00190; 1000 Genomes Project 30x 0.00344; 1000 Genomes Project 0.00419.
gnomAD v4.1: 860 of 1,530,410 alleles (0.056%); highest among the groups gnomAD compares: East Asian, 1.8%; 12 homozygotes.

Submission:

GeneDx
Classification: Likely benign. Last evaluated: 2018-06-19. Review status: criteria provided, single submitter. Criteria: GeneDx Variant Classification (06012015). Collection method: clinical testing. Allele origin: germline. Affected: yes.
Comment: This variant is considered likely benign or benign based on one or more of the following criteria: it is a conservative change, it occurs at a poorly conserved position in the protein, it is predicted to be benign by multiple in silico algorithms, and/or has population frequency not consistent with disease.